The following is an entry in ClinVar:

NM_018557.3(LRP1B):c.8547A>G (p.Glu2849=)

Gene: LRP1B (LDL receptor related protein 1B; minus strand). Cytogenetic location: 2q22.1.
Variant type: single nucleotide variant.
Coding change: c.8547A>G on transcript NM_018557.3 (MANE Select); coding-DNA position 8547, A replaced by G.
Protein change: p.Glu2849=; no amino-acid change (glutamic acid 2849 retained).
Molecular consequence: synonymous variant.
Genome position (GRCh38, 1-based): chr2:140,503,078, T>C on the plus strand (A>G on the coding strand, the complement: LRP1B is on the minus strand). VCF-style: chr2-140503078-T-C. GRCh37 (hg19) VCF-style: chr2-141260647-T-C.
Other names: c.8547A>G (NM_018557.2).
Identifiers: ClinVar variation 2651386 (VCV002651386.25), dbSNP rs144617188, ClinGen allele CA1893946.

ClinVar aggregate classification (germline): Likely benign. Review status: criteria provided, single submitter (1 of 4 stars). 2 submissions from 2 submitters: Likely benign (1). 1 of the submissions does not count toward it. Last evaluated 2024-02-01.

Conditions:
LRP1B-related disorder. Also called: LRP1B-related condition.

Allele frequency attached by ClinVar (database versions not stated): 1000 Genomes Project 30x 0.00078; 1000 Genomes Project 0.00100; TOPMed 0.00116; ESP Exome Variant Server 0.00138; ExAC 0.00296; gnomAD 0.00308.
gnomAD v4.1: 4,757 of 1,613,200 alleles (0.29%); highest among the groups gnomAD compares: Non-Finnish European, 0.27%; 26 homozygotes.

Submissions (2):

CeGaT Center for Human Genetics Tuebingen
Classification: Likely benign. Last evaluated: 2024-02-01. Review status: criteria provided, single submitter. Criteria: CeGaT Center For Human Genetics Tuebingen Variant Classification Criteria Version 2. Collection method: clinical testing. Allele origin: germline. Affected: yes. Observed: 3 variant alleles.
Comment: LRP1B: BP4, BP7

PreventionGenetics, part of Exact Sciences
Classification: Benign for LRP1B-related condition. Last evaluated: 2019-12-05. Review status: no assertion criteria provided. Collection method: clinical testing. Allele origin: germline. Not counted in ClinVar's aggregate classification.
Comment: This variant is classified as benign based on ACMG/AMP sequence variant interpretation guidelines (Richards et al. 2015 PMID: 25741868, with internal and published modifications).